The following is an entry in ClinVar:

ClinVar aggregate classification (germline): Likely benign. Review status: criteria provided, multiple submitters, no conflicts (2 of 4 stars). 3 submissions from 3 submitters: Likely benign (3). Last evaluated 2024-04-07.

Conditions:
Cardiovascular phenotype. Identifiers: MedGen CN230736.
Hypertrophic cardiomyopathy. Also called: HYPERTROPHIC MYOCARDIOPATHY. Identifiers: Orphanet 217569, MedGen C0007194, MeSH D002312, MONDO:0005045, HP:0001639.

gnomAD v4.1: 1 of 1,613,146 alleles (0.000062%); highest among the groups gnomAD compares: Non-Finnish European, 0.000085%; no homozygotes.

Submissions (3):

Labcorp Genetics (formerly Invitae), Labcorp
Classification: Likely benign for Hypertrophic cardiomyopathy. Last evaluated: 2024-04-07. Review status: criteria provided, single submitter. Criteria: Invitae Variant Classification Sherloc (09022015). Collection method: clinical testing. Allele origin: germline.

All of Us Research Program, National Institutes of Health
Classification: Likely benign for Hypertrophic cardiomyopathy. Last evaluated: 2023-12-13. Review status: criteria provided, single submitter. Criteria: ACMG Guidelines, 2015. Collection method: clinical testing. Allele origin: germline. Inheritance: Autosomal dominant inheritance. Observed: 1 variant allele, 1 heterozygote.
Comment: This study involves interpretation of variants in research participants for the purpose of population health screening. Participant phenotype was not available at the time of variant classification. Additional details can be found in publication PMID: 35346344, PMCID: PMC8962531

Ambry Genetics
Classification: Likely benign for Cardiovascular phenotype. Last evaluated: 2019-05-15. Review status: criteria provided, single submitter. Criteria: Ambry Variant Classification Scheme 2023. Collection method: clinical testing. Allele origin: germline.

NM_000256.3(MYBPC3):c.1347G>A (p.Val449=)

Gene: MYBPC3 (myosin binding protein C3; minus strand). Cytogenetic location: 11p11.2.
Variant type: single nucleotide variant.
Coding change: c.1347G>A on transcript NM_000256.3 (MANE Select); coding-DNA position 1347, G replaced by A.
Protein change: p.Val449=; no amino-acid change (valine 449 retained).
Molecular consequence: synonymous variant.
Genome position (GRCh38, 1-based): chr11:47,343,025, C>T on the plus strand (G>A on the coding strand, the complement: MYBPC3 is on the minus strand). VCF-style: chr11-47343025-C-T. GRCh37 (hg19) VCF-style: chr11-47364576-C-T.
Identifiers: ClinVar variation 1770505 (VCV001770505.5), dbSNP rs539453748, ClinGen allele CA474429509.